The following is an entry in ClinVar:

ClinVar aggregate classification (germline): Conflicting classifications of pathogenicity. Review status: criteria provided, conflicting classifications (1 of 4 stars). 3 submissions from 3 submitters: Uncertain significance (1); Likely benign (2). Last evaluated 2025-12-24.

Conditions:
RASopathy. Also called: rasopathies; Noonan spectrum disorder. Identifiers: Orphanet 536391, MedGen C5555857, MONDO:0021060.
Cardiovascular phenotype. Identifiers: MedGen CN230736.

gnomAD v4.1: 97 of 1,606,922 alleles (0.006%); highest among the groups gnomAD compares: Admixed American, 0.02%; no homozygotes.

Submissions (3):

Labcorp Genetics (formerly Invitae), Labcorp
Classification: Likely benign for RASopathy. Last evaluated: 2025-12-24. Review status: criteria provided, single submitter. Criteria: Invitae Variant Classification Sherloc (09022015). Collection method: clinical testing. Allele origin: germline.

Ambry Genetics
Classification: Uncertain significance for Cardiovascular phenotype. Last evaluated: 2025-08-04. Review status: criteria provided, single submitter. Criteria: Ambry Variant Classification Scheme 2023. Collection method: clinical testing. Allele origin: germline.

Women's Health and Genetics/Laboratory Corporation of America, LabCorp
Classification: Likely benign. Last evaluated: 2023-05-22. Review status: criteria provided, single submitter. Criteria: LabCorp Variant Classification Summary - May 2015. Collection method: clinical testing. Allele origin: germline.
Comment: Variant summary: MAP2K2 c.813C>G (p.Asp271Glu) results in a conservative amino acid change located in the Protein kinase domain (IPR000719) of the encoded protein sequence. Four of five in-silico tools predict a benign effect of the variant on protein function. The variant allele was found at a frequency of 6.4e-05 in 234256 control chromosomes (gnomAD). The observed variant frequency is approximately 85 fold of the estimated maximal expected allele frequency for a pathogenic variant in MAP2K2 causing Cardiofaciocutaneous Syndrome (7.5e-07), strongly suggesting that the variant is benign. To our knowledge, no occurrence of c.813C>G in individuals affected with Cardiofaciocutaneous Syndrome and no experimental evidence demonstrating its impact on protein function have been reported. Two ClinVar submitters have assessed the variant since 2014: one classified the variant as uncertain significance and one as likely benign. Based on the evidence outlined above, the variant was classified as likely benign.

NM_030662.4(MAP2K2):c.813C>G (p.Asp271Glu)

Gene: MAP2K2 (mitogen-activated protein kinase kinase 2; minus strand). Cytogenetic location: 19p13.3.
Variant type: single nucleotide variant.
Coding change: c.813C>G on transcript NM_030662.4 (MANE Select); coding-DNA position 813, C replaced by G.
Protein change: p.Asp271Glu; replaces aspartic acid 271 with glutamic acid.
Molecular consequence: missense variant.
Genome position (GRCh38, 1-based): chr19:4,099,307, G>C on the plus strand (C>G on the coding strand, the complement: MAP2K2 is on the minus strand). VCF-style: chr19-4099307-G-C. GRCh37 (hg19) VCF-style: chr19-4099305-G-C.
Other names: short protein forms D271E.
Identifiers: ClinVar variation 1092325 (VCV001092325.14), dbSNP rs201726622, ClinGen allele CA9090825.